The following is an entry in ClinVar:

NM_002485.5(NBN):c.2129C>T (p.Ala710Val)

Gene: NBN (nibrin; minus strand). Cytogenetic location: 8q21.3.
Variant type: single nucleotide variant.
Coding change: c.2129C>T on transcript NM_002485.5 (MANE Select); coding-DNA position 2129, C replaced by T.
Protein change: p.Ala710Val; replaces alanine 710 with valine.
Molecular consequence: missense variant.
Genome position (GRCh38, 1-based): chr8:89,943,308, G>A on the plus strand (C>T on the coding strand, the complement: NBN is on the minus strand). VCF-style: chr8-89943308-G-A. GRCh37 (hg19) VCF-style: chr8-90955536-G-A.
Other names: c.1883C>T, p.Ala628Val (NM_001024688.3); short protein forms A710V, A628V.
Identifiers: ClinVar variation 411741 (VCV000411741.16), dbSNP rs1060503454, ClinGen allele CA16612647.
Genomic context (GRCh38, chr8:89,943,308, plus strand): 5'-CTAACCTCCATTTCCTGCCTTAGCCACTCTTCTAGTTCTGTATTCTTTCGAGCATGATGA[G>A]CTATTAGATCTGATCCTCCAATGATGTGTGGAAGTTTTCCTGCTCCAGGATATGTGACCT-3'
Protein context (NP_002476.2, residues 700-720): PHIIGGSDLI[Ala710Val]HHARKNTELE

ClinVar aggregate classification (germline): Uncertain significance. Review status: criteria provided, multiple submitters, no conflicts (2 of 4 stars). 5 submissions from 5 submitters: Uncertain significance (5). Last evaluated 2024-11-15.

Conditions:
Hereditary cancer-predisposing syndrome. Also called: Hereditary neoplastic syndrome; Neoplastic Syndromes, Hereditary; Tumor predisposition; Hereditary Cancer Syndrome. Identifiers: Orphanet 140162, MedGen C0027672, MeSH D009386, MONDO:0015356.
Microcephaly, normal intelligence and immunodeficiency (NBS). Also called: IMMUNODEFICIENCY, MICROCEPHALY, AND CHROMOSOMAL INSTABILITY; SEEMANOVA SYNDROME II; Immunodeficiency, microcephaly with normal intelligence; Ataxia telangiectasia variant V1; Nijmegen breakage syndrome; Microcephaly with normal intelligence immunodeficiency and lymphoreticular malignancies. Identifiers: Orphanet 647, MedGen C0398791, MONDO:0009623, OMIM 251260.

Allele frequency attached by ClinVar (database versions not stated): gnomAD exomes below 0.00001; gnomAD 0.00001; TOPMed 0.00002.
gnomAD v4.1: 3 of 1,613,072 alleles (0.00019%); highest among the groups gnomAD compares: African/African-American, 0.004%; no homozygotes.

Submissions (5):

Labcorp Genetics (formerly Invitae), Labcorp
Classification: Uncertain significance for Microcephaly, normal intelligence and immunodeficiency. Last evaluated: 2024-11-15. Review status: criteria provided, single submitter. Criteria: Invitae Variant Classification Sherloc (09022015). Collection method: clinical testing. Allele origin: germline.
Comment: This sequence change replaces alanine, which is neutral and non-polar, with valine, which is neutral and non-polar, at codon 710 of the NBN protein (p.Ala710Val). This variant is not present in population databases (gnomAD no frequency). This variant has not been reported in the literature in individuals affected with NBN-related conditions. ClinVar contains an entry for this variant (Variation ID: 411741). An algorithm developed to predict the effect of missense changes on protein structure and function (PolyPhen-2) suggests that this variant is likely to be disruptive. In summary, the available evidence is currently insufficient to determine the role of this variant in disease. Therefore, it has been classified as a Variant of Uncertain Significance.

Ambry Genetics
Classification: Uncertain significance for Hereditary cancer-predisposing syndrome. Last evaluated: 2024-07-13. Review status: criteria provided, single submitter. Criteria: Ambry Variant Classification Scheme 2023. Collection method: clinical testing. Allele origin: germline.
Comment: The p.A710V variant (also known as c.2129C>T), located in coding exon 14 of the NBN gene, results from a C to T substitution at nucleotide position 2129. The alanine at codon 710 is replaced by valine, an amino acid with similar properties. This amino acid position is not well conserved in available vertebrate species. In addition, this alteration is predicted to be tolerated by in silico analysis. Since supporting evidence is limited at this time, the clinical significance of this alteration remains unclear.

Institute for Biomarker Research, Medical Diagnostic Laboratories, L.L.C.
Classification: Uncertain significance for Hereditary cancer-predisposing syndrome. Last evaluated: 2024-05-14. Review status: criteria provided, single submitter. Criteria: ACMG Guidelines, 2015. Collection method: clinical testing. Allele origin: germline.

Mendelics
Classification: Uncertain significance. Last evaluated: 2022-05-04. Review status: criteria provided, single submitter. Criteria: Mendelics Assertion Criteria 2019. Collection method: clinical testing. Allele origin: germline.

Genome-Nilou Lab
Classification: Uncertain significance for Microcephaly, normal intelligence and immunodeficiency. Last evaluated: 2021-11-07. Review status: criteria provided, single submitter. Criteria: ACMG Guidelines, 2015. Collection method: clinical testing. Allele origin: germline. Affected: no.